The following is an entry in ClinVar:

NM_014159.7(SETD2):c.5660A>G (p.Asn1887Ser)

Gene: SETD2 (SET domain containing 2, histone lysine methyltransferase; minus strand). Cytogenetic location: 3p21.31.
Variant type: single nucleotide variant.
Coding change: c.5660A>G on transcript NM_014159.7 (MANE Select); coding-DNA position 5660, A replaced by G.
Protein change: p.Asn1887Ser; replaces asparagine 1887 with serine.
Molecular consequence: missense variant. On other transcripts: non-coding transcript variant (1).
Genome position (GRCh38, 1-based): chr3:47,084,120, T>C on the plus strand (A>G on the coding strand, the complement: SETD2 is on the minus strand). VCF-style: chr3-47084120-T-C. GRCh37 (hg19) VCF-style: chr3-47125610-T-C.
Other names: c.5528A>G, p.Asn1843Ser (NM_001349370.3); short protein forms N1843S, N1887S.
Identifiers: ClinVar variation 2663143 (VCV002663143.1), dbSNP rs2545518231, ClinGen allele CA352535248.

ClinVar aggregate classification (germline): Uncertain significance (1 of 4 stars; one submission).

Submission:

GeneDx
Classification: Uncertain significance. Last evaluated: 2023-05-04. Review status: criteria provided, single submitter. Criteria: GeneDx Variant Classification Process June 2021. Collection method: clinical testing. Allele origin: germline. Affected: yes.
Comment: Not observed at significant frequency in large population cohorts (gnomAD); In silico analysis supports that this missense variant does not alter protein structure/function; Has not been previously published as pathogenic or benign to our knowledge